The following is an entry in ClinVar:

NM_004006.3(DMD):c.69dup (p.Trp24fs)

Gene: DMD (dystrophin; minus strand). Cytogenetic location: Xp21.1.
Variant type: Duplication.
Coding change: c.69dup on transcript NM_004006.3 (MANE Select); coding-DNA position 69, one base duplicated (A; older notation c.69dupA).
Protein change: p.Trp24fs; shifts the reading frame from tryptophan 24.
Molecular consequence: frameshift variant. On other transcripts: 5 prime UTR variant (1).
Genome position (GRCh38, 1-based): chrX:33,020,163, T duplicated on the plus strand (A on the coding strand, the reverse complement: DMD is on the minus strand); the first of 4 consecutive T bases (chrX:33,020,163-33,020,166); duplicating any one gives the same sequence. VCF-style (leftmost placement, unchanged base first): chrX-33020162-A-AT. GRCh37 (hg19) VCF-style: chrX-33038279-A-AT.
Other names: c.45dup, p.Trp16fs (NM_000109.4); c.57dup, p.Trp20fs (NM_004009.3); c.-301dup (NM_004010.3); short protein forms W16fs, W24fs, W20fs.
Identifiers: ClinVar variation 1451986 (VCV001451986.6), dbSNP rs2147755217, ClinGen allele CA2573158713.
Genomic context (GRCh38, chrX:33,020,162, plus strand): 5'-CTTAGATCTTAAAAGTAAAGTAACAAACCATTCTTACCTTAGAAAATTGTGCATTTACCC[A>AT]TTTTGTGAATGTTTTCTTTTGAACATCTTCTCTTTCATCTAAAATGCAAAATAAAAAAAT-3'

ClinVar aggregate classification (germline): Pathogenic (1 of 4 stars; one submission).

Conditions:
Duchenne muscular dystrophy (DMD). Also called: Duchenne Muscular Dystrophy (DMD); MUSCULAR DYSTROPHY, PSEUDOHYPERTROPHIC PROGRESSIVE, DUCHENNE TYPE. Identifiers: Orphanet 98896, MedGen C0013264, MONDO:0010679, OMIM 310200.

Submission:

Labcorp Genetics (formerly Invitae), Labcorp
Classification: Pathogenic for Duchenne muscular dystrophy. Last evaluated: 2021-11-23. Review status: criteria provided, single submitter. Criteria: Invitae Variant Classification Sherloc (09022015). Collection method: clinical testing. Allele origin: germline.
Comment: For these reasons, this variant has been classified as Pathogenic. This premature translational stop signal has been observed in individual(s) with Becker muscular dystrophy (PMID: 30833962). This variant is not present in population databases (gnomAD no frequency). This sequence change creates a premature translational stop signal (p.Trp24Metfs*8) in the DMD gene. It is expected to result in an absent or disrupted protein product. Loss-of-function variants in DMD are known to be pathogenic (PMID: 16770791, 25007885).

Literature cited by the submitters: PubMed 30833962; PubMed 16770791; PubMed 25007885.